The following is an entry in ClinVar:

NM_000540.3(RYR1):c.10478G>A (p.Arg3493His)

Gene: RYR1 (ryanodine receptor 1; plus strand). Cytogenetic location: 19q13.2.
Variant type: single nucleotide variant.
Coding change: c.10478G>A on transcript NM_000540.3 (MANE Select); coding-DNA position 10478, G replaced by A.
Protein change: p.Arg3493His; replaces arginine 3493 with histidine.
Molecular consequence: missense variant.
Genome position (GRCh38, 1-based): chr19:38,525,354, G>A. VCF-style: chr19-38525354-G-A. GRCh37 (hg19) VCF-style: chr19-39015994-G-A.
Other names: c.10463G>A, p.Arg3488His (NM_001042723.2); short protein forms R3493H, R3488H.
Identifiers: ClinVar variation 854391 (VCV000854391.6), dbSNP rs756062833, ClinGen allele CA053823.

ClinVar aggregate classification (germline): Uncertain significance. Review status: criteria provided, multiple submitters, no conflicts (2 of 4 stars). 3 submissions from 3 submitters: Uncertain significance (3). Last evaluated 2024-03-28.

Conditions:
RYR1-related disorder. Also called: RYR1-related disorders; RYR1-related condition. Identifiers: MedGen CN239331.
Malignant hyperthermia, susceptibility to, 1 (MHS1). Also called: Anesthesia related hyperthermia; Malignant hyperpyrexia; Fulminating hyperpyrexia; Pharmacogenic myopathy; RYR1-Related Malignant Hyperthermia Susceptibility; Malignant hyperthermia suceptibility 1. Identifiers: Orphanet 423, MedGen C2930980, MONDO:0007783, OMIM 145600.

Allele frequency attached by ClinVar (database versions not stated): ExAC 0.00001; gnomAD exomes 0.00002 and below 0.00001.

Submissions (3):

Color Diagnostics, LLC DBA Color Health
Classification: Uncertain significance for Malignant hyperthermia, susceptibility to, 1. Last evaluated: 2024-03-28. Review status: criteria provided, single submitter. Criteria: ACMG Guidelines, 2015. Collection method: clinical testing. Allele origin: germline.
Comment: This missense variant replaces arginine with histidine at codon 3493 of the RYR1 protein. Computational prediction tool is inconclusive regarding the impact of this variant on protein structure and function. To our knowledge, functional studies have not been reported for this variant. This variant has not been reported in individuals affected with RYR1-related disorders in the literature. This variant has been identified in 6/251106 chromosomes in the general population by the Genome Aggregation Database (gnomAD). The available evidence is insufficient to determine the role of this variant in disease conclusively. Therefore, this variant is classified as a Variant of Uncertain Significance.

Labcorp Genetics (formerly Invitae), Labcorp
Classification: Uncertain significance for RYR1-related disorder. Last evaluated: 2024-01-02. Review status: criteria provided, single submitter. Criteria: Invitae Variant Classification Sherloc (09022015). Collection method: clinical testing. Allele origin: germline.
Comment: This sequence change replaces arginine, which is basic and polar, with histidine, which is basic and polar, at codon 3493 of the RYR1 protein (p.Arg3493His). This variant is present in population databases (rs756062833, gnomAD 0.01%). This variant has not been reported in the literature in individuals affected with RYR1-related conditions. ClinVar contains an entry for this variant (Variation ID: 854391). Advanced modeling of protein sequence and biophysical properties (such as structural, functional, and spatial information, amino acid conservation, physicochemical variation, residue mobility, and thermodynamic stability) performed at Invitae indicates that this missense variant is expected to disrupt RYR1 protein function with a positive predictive value of 95%. In summary, the available evidence is currently insufficient to determine the role of this variant in disease. Therefore, it has been classified as a Variant of Uncertain Significance.

All of Us Research Program, National Institutes of Health
Classification: Uncertain significance for Malignant hyperthermia, susceptibility to, 1. Last evaluated: 2023-08-15. Review status: criteria provided, single submitter. Criteria: ACMG Guidelines, 2015. Collection method: clinical testing. Allele origin: germline. Inheritance: Autosomal dominant inheritance. Observed: 2 variant alleles, 2 heterozygotes.
Comment: This study involves interpretation of variants in research participants for the purpose of population health screening. Participant phenotype was not available at the time of variant classification. Additional details can be found in publication PMID: 35346344, PMCID: PMC8962531